The following is an entry in ClinVar:

ClinVar aggregate classification (germline): Uncertain significance (1 of 4 stars; one submission).

Allele frequency attached by ClinVar (database versions not stated): gnomAD 0.00001; gnomAD exomes 0.00001; TOPMed 0.00001.
gnomAD v4.1: 14 of 1,613,906 alleles (0.00087%); highest among the groups gnomAD compares: South Asian, 0.0055%; no homozygotes.

Submission:

GeneDx
Classification: Uncertain significance. Last evaluated: 2022-03-30. Review status: criteria provided, single submitter. Criteria: GeneDx Variant Classification Process June 2021. Collection method: clinical testing. Allele origin: germline. Affected: yes.
Comment: Not observed at significant frequency in large population cohorts (gnomAD); In silico analysis supports that this missense variant has a deleterious effect on protein structure/function; Has not been previously published as pathogenic or benign to our knowledge

NM_020461.4(TUBGCP6):c.5425C>T (p.Arg1809Cys)

Gene: TUBGCP6 (tubulin gamma complex component 6; minus strand). Cytogenetic location: 22q13.33.
Variant type: single nucleotide variant.
Coding change: c.5425C>T on transcript NM_020461.4 (MANE Select); coding-DNA position 5425, C replaced by T.
Protein change: p.Arg1809Cys; replaces arginine 1809 with cysteine.
Molecular consequence: missense variant.
Genome position (GRCh38, 1-based): chr22:50,217,771, G>A on the plus strand (C>T on the coding strand, the complement: TUBGCP6 is on the minus strand). VCF-style: chr22-50217771-G-A. GRCh37 (hg19) VCF-style: chr22-50656200-G-A.
Other names: short protein forms R1809C.
Identifiers: ClinVar variation 1707799 (VCV001707799.2), dbSNP rs1236441479, ClinGen allele CA412161332.